The following is an entry in ClinVar:

NM_005121.3(MED13):c.6426G>A (p.Trp2142Ter)

Gene: MED13 (mediator complex subunit 13; minus strand). Cytogenetic location: 17q23.2.
Variant type: single nucleotide variant.
Coding change: c.6426G>A on transcript NM_005121.3 (MANE Select); coding-DNA position 6426, G replaced by A.
Protein change: p.Trp2142Ter; replaces tryptophan 2142 with a stop codon.
Molecular consequence: nonsense.
Genome position (GRCh38, 1-based): chr17:61,946,567, C>T on the plus strand (G>A on the coding strand, the complement: MED13 is on the minus strand). VCF-style: chr17-61946567-C-T. GRCh37 (hg19) VCF-style: chr17-60023928-C-T.
Other names: short protein forms W2142*.
Identifiers: ClinVar variation 1704822 (VCV001704822.2), dbSNP rs2509194176, ClinGen allele CA400499089.

ClinVar aggregate classification (germline): Uncertain significance (1 of 4 stars; one submission).

Submission:

GeneDx
Classification: Uncertain significance. Last evaluated: 2022-03-03. Review status: criteria provided, single submitter. Criteria: GeneDx Variant Classification Process June 2021. Collection method: clinical testing. Allele origin: germline. Affected: yes.
Comment: Not observed at significant frequency in large population cohorts (gnomAD); Nonsense variant in the C-terminus predicted to result in protein truncation, as the last 33 amino acids are lost, and other loss-of-function variants have been reported downstream in HGMD.; Has not been previously published as pathogenic or benign to our knowledge